The following is an entry in ClinVar:

ClinVar aggregate classification (germline): Pathogenic/Likely pathogenic. Review status: criteria provided, multiple submitters, no conflicts (2 of 4 stars). 5 submissions from 5 submitters: Pathogenic (3); Likely pathogenic (1). 1 of the submissions does not count toward it. Last evaluated 2024-08-22.

Conditions:
TSC2-related disorder. Also called: TSC2-Related Disorders; TSC2-related condition.
Tuberous sclerosis syndrome (TSC). Also called: Tuberous Sclerosis Complex; Tuberous sclerosis. Identifiers: Orphanet 805, MedGen C0041341, MONDO:0001734.
Tuberous sclerosis 2 (TSC2). Identifiers: Orphanet 805, MedGen C1860707, MONDO:0013199, OMIM 613254.

Submissions (5):

Blueprint Genetics
Classification: Likely pathogenic for TSC2-related disorders. Last evaluated: 2024-08-22. Review status: criteria provided, single submitter. Criteria: ACMG Guidelines, 2015. Collection method: clinical testing. Allele origin: germline. Affected: yes. Observed: 1 variant allele.

GeneDx
Classification: Pathogenic. Last evaluated: 2022-12-14. Review status: criteria provided, single submitter. Criteria: GeneDx Variant Classification Process June 2021. Collection method: clinical testing. Allele origin: germline. Affected: yes.
Comment: Reported previously in multiple individuals with tuberous sclerosis complex (Jobert et al., 1997; Kwiatkowski et al., 2015); Deletions involving coding exons of this gene are a known mechanism of disease (HGMD); Not observed at significant frequency in large population cohorts (gnomAD); Canonical splice site variant expected to result in aberrant splicing, although in the absence of functional evidence the actual effect of this sequence change is unknown; This variant is associated with the following publications: (PMID: 25782670, 25525159, 24271014, 9412784)

Genome-Nilou Lab
Classification: Pathogenic for Tuberous sclerosis 2. Last evaluated: 2021-11-07. Review status: criteria provided, single submitter. Criteria: ACMG Guidelines, 2015. Collection method: clinical testing. Allele origin: germline. Affected: no.

Athena Diagnostics
Classification: Pathogenic for Tuberous sclerosis 2. Last evaluated: 2012-06-28. Review status: criteria provided, single submitter. Criteria: Athena Diagnostics Criteria. Collection method: clinical testing. Allele origin: germline. Inheritance: Autosomal dominant inheritance.

Tuberous sclerosis database (TSC2)
No classification provided. Condition: TSC. Review status: no classification provided. Criteria: Tuberous Sclerosis Database Assertion Criteria 2015. Collection method: curation. Allele origin: germline. Affected: yes. Not counted in ClinVar's aggregate classification.

Literature cited by the submitters: PubMed 9412784 (cited by Athena Diagnostics).

NM_000548.5(TSC2):c.1444-2A>G

Gene: TSC2 (TSC complex subunit 2; plus strand). Cytogenetic location: 16p13.3.
Variant type: single nucleotide variant.
Coding change: c.1444-2A>G on transcript NM_000548.5 (MANE Select); the canonical splice acceptor site of the intron before coding-DNA position 1444, A replaced by G.
Molecular consequence: splice acceptor variant.
Genome position (GRCh38, 1-based): chr16:2,064,270, A>G. VCF-style: chr16-2064270-A-G. GRCh37 (hg19) VCF-style: chr16-2114271-A-G.
Other names: c.100-2A>G (NM_001406693.1, NM_001406689.1, NM_001406690.1 and 6 more transcripts); c.1534-2A>G (NM_001406667.1, NM_001406668.1); c.844-2A>G (NM_001406680.1, NM_001406683.1, NM_001406687.1 and 6 more transcripts); c.-159-2A>G (NM_001406698.1); c.1444-2A>G (NM_001114382.3, NM_001406663.1, NM_001406664.1 and 6 more transcripts); c.1432-2A>G (NM_001406671.1, NM_001406673.1); c.982-2A>G (NM_001406681.1); c.1333-2A>G (NM_001406670.1, NM_001318827.2, NM_001406678.1); and 3 more.
Identifiers: ClinVar variation 49633 (VCV000049633.7), dbSNP rs45517174, ClinGen allele CA014879.
Genomic context (GRCh38, chr16:2,064,270, plus strand): 5'-AGTGTCACGAGATGTGGCCCTCGTTGGGCTGGCGCTCATTGGCCTCCCTTGTGCCTGTGC[A>G]GGAGGAGCTGATTAACTCAGTGGTCATCTCGCAGCTCTCCCACATCCCCGAGGATAAAGA-3'